The following is an entry in ClinVar:

NM_001378454.1(ALMS1):c.11387A>G (p.His3796Arg)

Gene: ALMS1 (ALMS1 centrosome and basal body associated protein; plus strand). Cytogenetic location: 2p13.1.
Variant type: single nucleotide variant.
Coding change: c.11387A>G on transcript NM_001378454.1 (MANE Select); coding-DNA position 11387, A replaced by G.
Protein change: p.His3796Arg; replaces histidine 3796 with arginine.
Molecular consequence: missense variant.
Genome position (GRCh38, 1-based): chr2:73,573,264, A>G. VCF-style: chr2-73573264-A-G. GRCh37 (hg19) VCF-style: chr2-73800391-A-G.
Other names: c.11390A>G, p.His3797Arg (NM_015120.4); short protein forms H3796R, H3797R.
Identifiers: ClinVar variation 3693933 (VCV003693933.2).

ClinVar aggregate classification (germline): Uncertain significance (1 of 4 stars; one submission).

Conditions:
Alstrom syndrome (ALMS). Identifiers: Orphanet 64, MedGen C0268425, MONDO:0008763, OMIM 203800.

gnomAD v4.1: 30 of 1,613,884 alleles (0.0019%); highest among the groups gnomAD compares: Non-Finnish European, 0.0025%; no homozygotes.

Submission:

Labcorp Genetics (formerly Invitae), Labcorp
Classification: Uncertain significance for Alstrom syndrome. Last evaluated: 2024-12-02. Review status: criteria provided, single submitter. Criteria: Invitae Variant Classification Sherloc (09022015). Collection method: clinical testing. Allele origin: germline.
Comment: This sequence change replaces histidine, which is basic and polar, with arginine, which is basic and polar, at codon 3797 of the ALMS1 protein (p.His3797Arg). This variant is present in population databases (rs780775050, gnomAD 0.004%). This variant has not been reported in the literature in individuals affected with ALMS1-related conditions. Experimental studies and prediction algorithms are not available or were not evaluated, and the functional significance of this variant is currently unknown. In summary, the available evidence is currently insufficient to determine the role of this variant in disease. Therefore, it has been classified as a Variant of Uncertain Significance.